The following is an entry in ClinVar:

NM_004531.5(MOCS2):c.302A>G (p.Asn101Ser)

Gene: MOCS2 (molybdenum cofactor synthesis 2; minus strand). Cytogenetic location: 5q11.2.
Variant type: single nucleotide variant.
Coding change: c.302A>G on transcript NM_004531.5 (MANE Select); coding-DNA position 302, A replaced by G.
Protein change: p.Asn101Ser; replaces asparagine 101 with serine.
Molecular consequence: missense variant. On other transcripts: 3 prime UTR variant (1).
Genome position (GRCh38, 1-based): chr5:53,101,434, T>C on the plus strand (A>G on the coding strand, the complement: MOCS2 is on the minus strand). VCF-style: chr5-53101434-T-C. GRCh37 (hg19) VCF-style: chr5-52397264-T-C.
Other names: c.*222A>G (NM_176806.4); c.302A>G, p.Asn101Ser (NM_183418.1); short protein forms N101S.
Identifiers: ClinVar variation 2171928 (VCV002171928.1), dbSNP rs1740904126, ClinGen allele CA359693146.

ClinVar aggregate classification (germline): Uncertain significance (1 of 4 stars; one submission).

Allele frequency attached by ClinVar (database versions not stated): gnomAD exomes 0.00001.
gnomAD v4.1: 7 of 1,613,500 alleles (0.00043%); highest among the groups gnomAD compares: Non-Finnish European, 0.00059%; no homozygotes.

Submission:

Labcorp Genetics (formerly Invitae), Labcorp
Classification: Uncertain significance. Last evaluated: 2022-01-14. Review status: criteria provided, single submitter. Criteria: Invitae Variant Classification Sherloc (09022015). Collection method: clinical testing. Allele origin: germline.
Comment: This sequence change replaces asparagine, which is neutral and polar, with serine, which is neutral and polar, at codon 101 of the MOCS2B protein (p.Asn101Ser). This variant is not present in population databases (gnomAD no frequency). This variant has not been reported in the literature in individuals affected with MOCS2B-related conditions. Algorithms developed to predict the effect of missense changes on protein structure and function (SIFT, PolyPhen-2, Align-GVGD) all suggest that this variant is likely to be tolerated. In summary, the available evidence is currently insufficient to determine the role of this variant in disease. Therefore, it has been classified as a Variant of Uncertain Significance.